The following is an entry in ClinVar:

ClinVar aggregate classification (germline): Conflicting classifications of pathogenicity. Review status: criteria provided, conflicting classifications (1 of 4 stars). 2 submissions from 2 submitters: Likely pathogenic (1); Uncertain significance (1). Last evaluated 2025-03-31.

Conditions:
Congenital myopathy 4B, autosomal recessive. Also called: Nemaline myopathy 1, autosomal dominant or recessive. Identifiers: Orphanet 171433, Orphanet 171439, Orphanet 171881, MedGen C5829889, MONDO:0012239, OMIM 609284.
Congenital myopathy with fiber type disproportion. Also called: Congenital fiber-type disproportion; Congenital fiber-type disproportion myopathy. Identifiers: Orphanet 2020, MedGen C0546264, MONDO:0009711. Inheritance: all.
Centronuclear myopathy (CNM). Also called: Myotubular myopathy; Centronuclear myopathy, congenital. Identifiers: Orphanet 595, MedGen C0175709, MONDO:0018947. Inheritance: All.

Allele frequency attached by ClinVar (database versions not stated): gnomAD exomes below 0.00001; TOPMed below 0.00001; ExAC 0.00001.
gnomAD v4.1: 6 of 1,613,854 alleles (0.00037%); highest among the groups gnomAD compares: Non-Finnish European, 0.00051%; no homozygotes.

Submissions (2):

Labcorp Genetics (formerly Invitae), Labcorp
Classification: Uncertain significance for Congenital myopathy with fiber type disproportion; Congenital myopathy 4B, autosomal recessive. Last evaluated: 2025-03-31. Review status: criteria provided, single submitter. Criteria: Invitae Variant Classification Sherloc (09022015). Collection method: clinical testing. Allele origin: germline.
Comment: This sequence change replaces arginine, which is basic and polar, with glutamine, which is neutral and polar, at codon 134 of the TPM3 protein (p.Arg134Gln). This variant is present in population databases (rs769493959, gnomAD 0.0009%). This variant has not been reported in the literature in individuals affected with TPM3-related conditions. ClinVar contains an entry for this variant (Variation ID: 1518234). Invitae Evidence Modeling of protein sequence and biophysical properties (such as structural, functional, and spatial information, amino acid conservation, physicochemical variation, residue mobility, and thermodynamic stability) indicates that this missense variant is not expected to disrupt TPM3 protein function with a negative predictive value of 80%. In summary, the available evidence is currently insufficient to determine the role of this variant in disease. Therefore, it has been classified as a Variant of Uncertain Significance.

Muscle and Diseases Team, Institut de Génétique et Biologie Moléculaire et Cellulaire
Classification: Likely pathogenic for Centronuclear myopathy. Last evaluated: 2024-03-01. Review status: criteria provided, single submitter. Criteria: ACMG Guidelines, 2015. Collection method: research. Allele origin: de novo. Affected: yes. Observed: 1 variant allele.
Comment: PM2+PM6+PP2+PP3

Literature cited by the submitters: DOI 10.1186/s13073-024-01353-0 (cited by Muscle and Diseases Team, Institut de Génétique et Biologie Moléculaire et Cellulaire).

NM_152263.4(TPM3):c.401G>A (p.Arg134Gln)

Gene: TPM3 (tropomyosin 3; minus strand). Cytogenetic location: 1q21.3.
Variant type: single nucleotide variant.
Coding change: c.401G>A on transcript NM_152263.4 (MANE Select); coding-DNA position 401, G replaced by A.
Protein change: p.Arg134Gln; replaces arginine 134 with glutamine.
Molecular consequence: missense variant. On other transcripts: non-coding transcript variant (1).
Genome position (GRCh38, 1-based): chr1:154,173,178, C>T on the plus strand (G>A on the coding strand, the complement: TPM3 is on the minus strand). VCF-style: chr1-154173178-C-T. GRCh37 (hg19) VCF-style: chr1-154145654-C-T.
Other names: c.290G>A, p.Arg97Gln (NM_001043351.2, NM_001043352.2, NM_001043353.2 and 5 more transcripts); c.92G>A, p.Arg31Gln (NM_001278188.2); c.20G>A, p.Arg7Gln (NM_001278191.2); c.401G>A, p.Arg134Gln (NM_001364679.2, NM_001364680.2, NM_001364681.2 and 1 more transcripts); short protein forms R134Q, R7Q, R97Q, R31Q.
Identifiers: ClinVar variation 1518234 (VCV001518234.10), dbSNP rs769493959, ClinGen allele CA1125711.